The following is an entry in ClinVar:

NM_001283009.2(RTEL1):c.2866_2869delinsCTACA (p.Val956fs)

Genes: RTEL1 (regulator of telomere elongation helicase 1; plus strand), RTEL1-TNFRSF6B (RTEL1-TNFRSF6B readthrough (NMD candidate); plus strand). Cytogenetic location: 20q13.33.
Variant type: Indel.
Coding change: c.2866_2869delinsCTACA on transcript NM_001283009.2 (MANE Select); coding-DNA positions 2866 to 2869, GTGC replaced by CTACA.
Protein change: p.Val956fs; shifts the reading frame from valine 956.
Molecular consequence: frameshift variant. On other transcripts: non-coding transcript variant (1).
Genome position (GRCh38, 1-based): chr20:63,693,157-63,693,160, GTGC replaced by CTACA. VCF-style: chr20-63693157-GTGC-CTACA. GRCh37 (hg19) VCF-style: chr20-62324510-GTGC-CTACA.
Other names: c.2197_2200delinsCTACA, p.Val733fs (NM_001283010.1); c.2866_2869delinsCTACA, p.Val956fs (NM_016434.4); c.2938_2941delinsCTACA, p.Val980fs (NM_032957.5); short protein forms V956fs, V733fs, V980fs.
Identifiers: ClinVar variation 4795252 (VCV004795252.1).

ClinVar aggregate classification (germline): Pathogenic (1 of 4 stars; one submission).

Conditions:
Dyskeratosis congenita, autosomal recessive 5 (DKCB5). Identifiers: MedGen C3554656, MONDO:0014076, OMIM 615190.

Submission:

Molecular Genetics Laboratory, Motol Hospital
Classification: Pathogenic for Dyskeratosis congenita, autosomal recessive 5. Last evaluated: 2026-02-13. Review status: criteria provided, single submitter. Criteria: ACMG Guidelines, 2015. Collection method: clinical testing. Allele origin: germline. Inheritance: Sporadic. Affected: yes. Observed: 1 heterozygote.
Comment: Rare monoallelic truncating variants are associated with autosomal dominant dyskeratosis congenita (PVS1). Rare variant not present in gnomAD (v4.1.0), dbSNP, ClinVar, LOVD (PM2). Classified as pathogenic (ACMG PVS1, PM2, PP4).

Literature cited by the submitters: PubMed 36655009; PubMed 30964210.